The following is an entry in ClinVar:

ClinVar aggregate classification (germline): Uncertain significance (1 of 4 stars; one submission).

Conditions:
Immunodeficiency 14 (IMD14A). Also called: ACTIVATED PI3K-DELTA SYNDROME 1; IMMUNODEFICIENCY 14A WITH LYMPHOPROLIFERATION, AUTOSOMAL DOMINANT; Activated PI3K Delta Syndrome Type 1 (APDS1); p110-DELTA-ACTIVATING MUTATION CAUSING SENESCENT T CELLS, LYMPHADENOPATHY, AND IMMUNODEFICIENCY. Identifiers: Orphanet 397596, Orphanet 693661, MedGen C5907821, MONDO:0014222, OMIM 615513.

Allele frequency attached by ClinVar (database versions not stated): TOPMed below 0.00001; ExAC 0.00001; gnomAD 0.00001.
gnomAD v4.1: 15 of 1,613,252 alleles (0.00093%); highest among the groups gnomAD compares: Non-Finnish European, 0.0013%; no homozygotes.

Submission:

Labcorp Genetics (formerly Invitae), Labcorp
Classification: Uncertain significance for Activated PI3K-delta syndrome. Last evaluated: 2023-12-28. Review status: criteria provided, single submitter. Criteria: Invitae Variant Classification Sherloc (09022015). Collection method: clinical testing. Allele origin: germline.
Comment: This sequence change replaces glycine, which is neutral and non-polar, with valine, which is neutral and non-polar, at codon 771 of the PIK3CD protein (p.Gly771Val). This variant is present in population databases (rs749787380, gnomAD 0.0009%). This variant has not been reported in the literature in individuals affected with PIK3CD-related conditions. ClinVar contains an entry for this variant (Variation ID: 1055754). Advanced modeling of protein sequence and biophysical properties (such as structural, functional, and spatial information, amino acid conservation, physicochemical variation, residue mobility, and thermodynamic stability) performed at Invitae indicates that this missense variant is not expected to disrupt PIK3CD protein function with a negative predictive value of 80%. In summary, the available evidence is currently insufficient to determine the role of this variant in disease. Therefore, it has been classified as a Variant of Uncertain Significance.

NM_005026.5(PIK3CD):c.2312G>T (p.Gly771Val)

Gene: PIK3CD (phosphatidylinositol-4,5-bisphosphate 3-kinase catalytic subunit delta; plus strand). Cytogenetic location: 1p36.22.
Variant type: single nucleotide variant.
Coding change: c.2312G>T on transcript NM_005026.5 (MANE Select); coding-DNA position 2312, G replaced by T.
Protein change: p.Gly771Val; replaces glycine 771 with valine.
Molecular consequence: missense variant.
Genome position (GRCh38, 1-based): chr1:9,722,321, G>T. VCF-style: chr1-9722321-G-T. GRCh37 (hg19) VCF-style: chr1-9782379-G-T.
Other names: c.2309G>T, p.Gly770Val (NM_001350234.2); c.2225G>T, p.Gly742Val (NM_001350235.1); short protein forms G742V, G770V, G771V.
Identifiers: ClinVar variation 1055754 (VCV001055754.9), dbSNP rs749787380, ClinGen allele CA577488.